The following is an entry in ClinVar:

NM_001159699.2(FHL1):c.331C>T (p.Arg111Trp)

Gene: FHL1 (four and a half LIM domains 1; plus strand). Cytogenetic location: Xq26.3.
Variant type: single nucleotide variant.
Coding change: c.331C>T on transcript NM_001159699.2 (MANE Select); coding-DNA position 331, C replaced by T.
Protein change: p.Arg111Trp; replaces arginine 111 with tryptophan.
Molecular consequence: missense variant. On other transcripts: non-coding transcript variant (1).
Genome position (GRCh38, 1-based): chrX:136,207,142, C>T. VCF-style: chrX-136207142-C-T. GRCh37 (hg19) VCF-style: chrX-135289301-C-T.
Other names: c.283C>T, p.Arg95Trp (NM_001159700.2, NM_001159702.3, NM_001159703.2 and 9 more transcripts); c.370C>T, p.Arg124Trp (NM_001159701.2); c.331C>T, p.Arg111Trp (NM_001330659.2); short protein forms R95W, R111W, R124W.
Identifiers: ClinVar variation 239007 (VCV000239007.22), dbSNP rs150911744, ClinGen allele CA10524980.

ClinVar aggregate classification (germline): Benign/Likely benign. Review status: criteria provided, multiple submitters, no conflicts (2 of 4 stars). 7 submissions from 7 submitters: Benign (2); Likely benign (4). 1 of the submissions does not count toward it. Last evaluated 2026-01-31.

Conditions:
FHL1-related disorder. Also called: FHL1-related condition; FHL1-related disorders.
Cardiovascular phenotype. Identifiers: MedGen CN230736.
X-linked myopathy with postural muscle atrophy. Also called: FHL1-Related Emery-Dreifuss Muscular Dystrophy, X-Linked. Identifiers: Orphanet 178461, MedGen C2678055, MONDO:0010401, OMIM 300696.

Allele frequency attached by ClinVar (database versions not stated): gnomAD 0.00029 and 0.00030; TOPMed 0.00035; ExAC 0.00052; ESP Exome Variant Server 0.00057; gnomAD exomes 0.00068.
gnomAD v4.1: 389 of 1,208,800 alleles (0.032%); highest among the groups gnomAD compares: Admixed American, 0.02%; 1 homozygote.

Submissions (7):

Labcorp Genetics (formerly Invitae), Labcorp
Classification: Benign for X-linked myopathy with postural muscle atrophy. Last evaluated: 2026-01-31. Review status: criteria provided, single submitter. Criteria: Invitae Variant Classification Sherloc (09022015). Collection method: clinical testing. Allele origin: germline.

Blueprint Genetics
Classification: Likely benign. Last evaluated: 2024-11-22. Review status: criteria provided, single submitter. Criteria: ACMG Guidelines, 2015. Collection method: clinical testing. Allele origin: germline.

Women's Health and Genetics/Laboratory Corporation of America, LabCorp
Classification: Likely benign. Last evaluated: 2022-06-01. Review status: criteria provided, single submitter. Criteria: LabCorp Variant Classification Summary - May 2015. Collection method: clinical testing. Allele origin: germline.
Comment: Variant summary: FHL1 c.283C>T (p.Arg95Trp) results in a non-conservative amino acid change located in the Zinc finger, LIM-type domain (IPR001781) of the encoded protein sequence. Four of five in-silico tools predict a damaging effect of the variant on protein function. The variant allele was found at a frequency of 0.00068 in 182189 control chromosomes with 1 homozygote and 42 hemizygotes (gnomAD). The variant occurred predominantly at a frequency of 0.013 within the Ashkenazi Jewish subpopulation in the gnomAD database, including 35 hemizygotes. The observed variant frequency within Ashkenazi Jewish control individuals in the gnomAD database is approximately 34 fold of the estimated maximal expected allele frequency for a pathogenic variant in FHL1 causing Emery-Dreifuss Muscular Dystrophy phenotype (0.00039), strongly suggesting that the variant is a benign polymorphism found primarily in populations of Ashkenazi Jewish origin. c.283C>T has been reported in the literature in individuals affected with peripheral neuropathy and muscle weakness (Selcen_ 2011), pediatric cardiomyopathy (Kuhnisch_2019) and hypoparathyroidism (Pillar_2017). These reports do not provide unequivocal conclusions about association of the variant with Emery-Dreifuss Muscular Dystrophy. To our knowledge, no experimental evidence demonstrating an impact on protein function has been reported. Three ClinVar submitters have assessed the variant since 2014: two classified the variant as likely benign and one as benign. Based on the evidence outlined above, the variant was classified as likely benign.

GeneDx
Classification: Likely benign. Last evaluated: 2020-11-05. Review status: criteria provided, single submitter. Criteria: GeneDx Variant Classification Process June 2021. Collection method: clinical testing. Allele origin: germline. Affected: yes.
Comment: This variant is associated with the following publications: (PMID: 22094483, 28444561)

Ambry Genetics
Classification: Benign for Cardiovascular phenotype. Last evaluated: 2020-02-18. Review status: criteria provided, single submitter. Criteria: Ambry Variant Classification Scheme 2023. Collection method: clinical testing. Allele origin: germline.

Eurofins Ntd Llc (ga)
Classification: Likely benign. Last evaluated: 2018-05-02. Review status: criteria provided, single submitter. Criteria: EGL ClinVar v180209 classification definitions. Collection method: clinical testing. Allele origin: germline. Observed: 1 variant allele, 1 hemizygote.

PreventionGenetics, part of Exact Sciences
Classification: Likely benign for FHL1-related condition. Last evaluated: 2020-01-31. Review status: no assertion criteria provided. Collection method: clinical testing. Allele origin: germline. Not counted in ClinVar's aggregate classification.
Comment: This variant is classified as likely benign based on ACMG/AMP sequence variant interpretation guidelines (Richards et al. 2015 PMID: 25741868, with internal and published modifications).

Literature cited by the submitters: PubMed 31568572 (cited by Women's Health and Genetics/Laboratory Corporation of America, LabCorp); PubMed 28444561 (cited by Women's Health and Genetics/Laboratory Corporation of America, LabCorp and Ambry Genetics); PubMed 22094483 (cited by Women's Health and Genetics/Laboratory Corporation of America, LabCorp and Ambry Genetics).